The following is an entry in ClinVar:

ClinVar aggregate classification (germline): Uncertain significance. Review status: criteria provided, multiple submitters, no conflicts (2 of 4 stars). 2 submissions from 2 submitters: Uncertain significance (2). Last evaluated 2025-01-20.

Conditions:
Inborn genetic diseases. Identifiers: MedGen C0950123, MeSH D030342.
Thrombocytopenia 2 (THC2). Also called: ANKRD26-Related Thrombocytopenia. Identifiers: Orphanet 268322, MedGen C1861185, MONDO:0008555, OMIM 188000.

Allele frequency attached by ClinVar (database versions not stated): gnomAD exomes below 0.00001; gnomAD 0.00001.
gnomAD v4.1: 3 of 1,612,068 alleles (0.00019%); highest among the groups gnomAD compares: Non-Finnish European, 0.00025%; no homozygotes.

Submissions (2):

Ambry Genetics
Classification: Uncertain significance for Inborn genetic diseases. Last evaluated: 2025-01-20. Review status: criteria provided, single submitter. Criteria: Ambry Variant Classification Scheme 2023. Collection method: clinical testing. Allele origin: germline.
Comment: The p.V480A variant (also known as c.1439T>C), located in coding exon 13 of the ANKRD26 gene, results from a T to C substitution at nucleotide position 1439. The valine at codon 480 is replaced by alanine, an amino acid with similar properties. This amino acid position is conserved. In addition, this alteration is predicted to be tolerated by in silico analysis. Based on the available evidence, the clinical significance of this variant remains unclear.

Illumina Laboratory Services, Illumina
Classification: Uncertain significance for Thrombocytopenia 2. Last evaluated: 2018-01-13. Review status: criteria provided, single submitter. Criteria: ICSL Variant Classification Criteria 13 December 2019. Collection method: clinical testing. Allele origin: germline.

NM_014915.3(ANKRD26):c.1439T>C (p.Val480Ala)

Gene: ANKRD26 (ankyrin repeat domain 26; minus strand). Cytogenetic location: 10p12.1.
Variant type: single nucleotide variant.
Coding change: c.1439T>C on transcript NM_014915.3 (MANE Select); coding-DNA position 1439, T replaced by C.
Protein change: p.Val480Ala; replaces valine 480 with alanine.
Molecular consequence: missense variant.
Genome position (GRCh38, 1-based): chr10:27,061,167, A>G on the plus strand (T>C on the coding strand, the complement: ANKRD26 is on the minus strand). VCF-style: chr10-27061167-A-G. GRCh37 (hg19) VCF-style: chr10-27350096-A-G.
Other names: c.1439T>C, p.Val480Ala (NM_001256053.2); short protein forms V480A.
Identifiers: ClinVar variation 299747 (VCV000299747.6), dbSNP rs886046947, ClinGen allele CA10628452.